The following is an entry in ClinVar:

NM_000257.4(MYH7):c.5630C>T (p.Ala1877Val)

Gene: MYH7 (myosin heavy chain 7; minus strand). Cytogenetic location: 14q11.2.
Variant type: single nucleotide variant.
Coding change: c.5630C>T on transcript NM_000257.4 (MANE Select); coding-DNA position 5630, C replaced by T.
Protein change: p.Ala1877Val; replaces alanine 1877 with valine.
Molecular consequence: missense variant.
Genome position (GRCh38, 1-based): chr14:23,414,032, G>A on the plus strand (C>T on the coding strand, the complement: MYH7 is on the minus strand). VCF-style: chr14-23414032-G-A. GRCh37 (hg19) VCF-style: chr14-23883241-G-A.
Other names: short protein forms A1877V.
Identifiers: ClinVar variation 1332039 (VCV001332039.5), dbSNP rs2138635866, ClinGen allele CA389034826.
Genomic context (GRCh38, chr14:23,414,032, plus strand): 5'-CTCCCCTGGGCCTAGTCCCCAGCAGGGTCACTCACCGCCTCCTCGGCCTGGCGCTTGTAG[G>A]CCTTGACCTTTAGCTGCAGCTTGTCTACCAGGTCCTGCAGCCGCAGCAGGTTTTTCCTGT-3'
Protein context (NP_000248.2, residues 1867-1887): LVDKLQLKVK[Ala1877Val]YKRQAEEAEE

ClinVar aggregate classification (germline): Uncertain significance. Review status: criteria provided, multiple submitters, no conflicts (2 of 4 stars). 2 submissions from 2 submitters: Uncertain significance (2). Last evaluated 2024-07-13.

Conditions:
Cardiomyopathy (CMYO). Also called: Cardiomyopathies. Identifiers: Orphanet 167848, MedGen C0878544, MONDO:0004994, HP:0001638. Inheritance: Various modes of inheritance.
Hypertrophic cardiomyopathy. Also called: HYPERTROPHIC MYOCARDIOPATHY. Identifiers: Orphanet 217569, MedGen C0007194, MeSH D002312, MONDO:0005045, HP:0001639.

Submissions (2):

Labcorp Genetics (formerly Invitae), Labcorp
Classification: Uncertain significance for Hypertrophic cardiomyopathy. Last evaluated: 2024-07-13. Review status: criteria provided, single submitter. Criteria: Invitae Variant Classification Sherloc (09022015). Collection method: clinical testing. Allele origin: germline.
Comment: This sequence change replaces alanine, which is neutral and non-polar, with valine, which is neutral and non-polar, at codon 1877 of the MYH7 protein (p.Ala1877Val). This variant is not present in population databases (gnomAD no frequency). This variant has not been reported in the literature in individuals affected with MYH7-related conditions. ClinVar contains an entry for this variant (Variation ID: 1332039). Advanced modeling of protein sequence and biophysical properties (such as structural, functional, and spatial information, amino acid conservation, physicochemical variation, residue mobility, and thermodynamic stability) has been performed at Invitae for this missense variant, however the output from this modeling did not meet the statistical confidence thresholds required to predict the impact of this variant on MYH7 protein function. In summary, the available evidence is currently insufficient to determine the role of this variant in disease. Therefore, it has been classified as a Variant of Uncertain Significance.

Color Diagnostics, LLC DBA Color Health
Classification: Uncertain significance for Cardiomyopathy. Last evaluated: 2024-03-06. Review status: criteria provided, single submitter. Criteria: ACMG Guidelines, 2015. Collection method: clinical testing. Allele origin: germline.
Comment: This missense variant replaces alanine with valine at codon 1877 of the MYH7 protein. Computational prediction suggests that this variant may not impact protein structure and function (internally defined REVEL score threshold <= 0.5, PMID: 27666373). To our knowledge, functional studies have not been reported for this variant. This variant has not been reported in individuals affected with cardiovascular disorders in the literature. This variant has not been identified in the general population by the Genome Aggregation Database (gnomAD). The available evidence is insufficient to determine the role of this variant in disease conclusively. Therefore, this variant is classified as a Variant of Uncertain Significance.